The following is an entry in ClinVar:

NM_001204.7(BMPR2):c.1382A>G (p.Lys461Arg)

Gene: BMPR2 (bone morphogenetic protein receptor type 2; plus strand). Cytogenetic location: 2q33.2.
Variant type: single nucleotide variant.
Coding change: c.1382A>G on transcript NM_001204.7 (MANE Select); coding-DNA position 1382, A replaced by G.
Protein change: p.Lys461Arg; replaces lysine 461 with arginine.
Molecular consequence: missense variant.
Genome position (GRCh38, 1-based): chr2:202,542,416, A>G. VCF-style: chr2-202542416-A-G. GRCh37 (hg19) VCF-style: chr2-203407139-A-G.
Other names: short protein forms K461R.
Identifiers: ClinVar variation 3481355 (VCV003481355.1).

ClinVar aggregate classification (germline): Uncertain significance (1 of 4 stars; one submission).

Conditions:
Inborn genetic diseases. Identifiers: MedGen C0950123, MeSH D030342.

gnomAD v4.1: 2 of 1,614,010 alleles (0.00012%); highest among the groups gnomAD compares: African/African-American, 0.0027%; no homozygotes.

Submission:

Ambry Genetics
Classification: Uncertain significance for Inborn genetic diseases. Last evaluated: 2024-12-08. Review status: criteria provided, single submitter. Criteria: Ambry Variant Classification Scheme 2023. Collection method: clinical testing. Allele origin: germline.
Comment: The p.K461R variant (also known as c.1382A>G), located in coding exon 10 of the BMPR2 gene, results from an A to G substitution at nucleotide position 1382. The lysine at codon 461 is replaced by arginine, an amino acid with highly similar properties. This amino acid position is conserved. In addition, this alteration is predicted to be tolerated by in silico analysis. Based on the available evidence, the clinical significance of this variant remains unclear.